The following is an entry in ClinVar:

ClinVar aggregate classification (germline): Uncertain significance (1 of 4 stars; one submission).

Allele frequency attached by ClinVar (database versions not stated): TOPMed 0.00002; gnomAD 0.00003; ESP Exome Variant Server 0.00008; gnomAD exomes 0.00003 and 0.00004; ExAC 0.00004.
gnomAD v4.1: 49 of 1,613,866 alleles (0.003%); highest among the groups gnomAD compares: Non-Finnish European, 0.0039%; 1 homozygote.

Submission:

Labcorp Genetics (formerly Invitae), Labcorp
Classification: Uncertain significance. Last evaluated: 2023-07-10. Review status: criteria provided, single submitter. Criteria: Invitae Variant Classification Sherloc (09022015). Collection method: clinical testing. Allele origin: germline.
Comment: This sequence change replaces aspartic acid, which is acidic and polar, with histidine, which is basic and polar, at codon 597 of the FAT1 protein (p.Asp597His). This variant is present in population databases (rs373653016, gnomAD 0.008%), including at least one homozygous and/or hemizygous individual. This variant has not been reported in the literature in individuals affected with FAT1-related conditions. ClinVar contains an entry for this variant (Variation ID: 1469943). An algorithm developed to predict the effect of missense changes on protein structure and function (PolyPhen-2) suggests that this variant is likely to be disruptive. In summary, the available evidence is currently insufficient to determine the role of this variant in disease. Therefore, it has been classified as a Variant of Uncertain Significance.

NM_005245.4(FAT1):c.1789G>C (p.Asp597His)

Gene: FAT1 (FAT atypical cadherin 1; minus strand). Cytogenetic location: 4q35.2.
Variant type: single nucleotide variant.
Coding change: c.1789G>C on transcript NM_005245.4 (MANE Select); coding-DNA position 1789, G replaced by C.
Protein change: p.Asp597His; replaces aspartic acid 597 with histidine.
Molecular consequence: missense variant.
Genome position (GRCh38, 1-based): chr4:186,708,039, C>G on the plus strand (G>C on the coding strand, the complement: FAT1 is on the minus strand). VCF-style: chr4-186708039-C-G. GRCh37 (hg19) VCF-style: chr4-187629193-C-G.
Other names: short protein forms D597H.
Identifiers: ClinVar variation 1469943 (VCV001469943.6), dbSNP rs373653016, ClinGen allele CA3167385.